The following is an entry in ClinVar:

GRCh38/hg38 7q11.22(chr7:70891025-71072442)x3

Gene: LOC129998575 (ATAC-STARR-seq lymphoblastoid active region 26115; plus strand). Cytogenetic location: 7q11.22.
Variant type: copy number gain.
Change: copy number 3 (three copies instead of two) of chr7:70,891,025-71,072,442 (181.4 kb, GRCh38 coordinates, 1-based), cytogenetic band 7q11.22.
Identifiers: ClinVar variation 161060 (VCV000161060.1).

ClinVar aggregate classification (germline): Uncertain significance (1 of 4 stars; one submission).

Submission:

ISCA site 4
Classification: Uncertain significance. Last evaluated: 2011-08-12. Review status: criteria provided, single submitter. Criteria: Kaminsky et al. (Genet Med. 2011). Collection method: clinical testing. Allele origin: unknown. Affected: yes. Observed: 1 variant allele.
Comment: Copy number variation identified through the course of routine clinical cytogenomic testing in postnatal populations. Clinical assertions have been curated as described in Kaminsky et al. 2011.